The following is an entry in ClinVar:

NM_001372051.1(CASP8):c.775G>A (p.Asp259Asn)

Gene: CASP8 (caspase 8; plus strand). Cytogenetic location: 2q33.1.
Variant type: single nucleotide variant.
Coding change: c.775G>A on transcript NM_001372051.1 (MANE Select); coding-DNA position 775, G replaced by A.
Protein change: p.Asp259Asn; replaces aspartic acid 259 with asparagine.
Molecular consequence: missense variant. On other transcripts: 3 prime UTR variant (1), non-coding transcript variant (21), intron variant (4).
Genome position (GRCh38, 1-based): chr2:201,276,941, G>A. VCF-style: chr2-201276941-G-A. GRCh37 (hg19) VCF-style: chr2-202141664-G-A.
Other names: c.730G>A, p.Asp244Asn (NM_001080124.2, NM_001400658.1, NM_001400659.1 and 5 more transcripts); c.952G>A, p.Asp318Asn (NM_001080125.2); c.826G>A, p.Asp276Asn (NM_001228.5); c.907G>A, p.Asp303Asn (NM_001400642.1); c.808G>A, p.Asp270Asn (NM_001400645.1); c.775G>A, p.Asp259Asn (NM_001400648.1, NM_001400651.1, NM_001400653.1 and 6 more transcripts); c.706G>A, p.Asp236Asn (NM_001400664.1); c.466G>A, p.Asp156Asn (NM_001400669.1); and 7 more; short protein forms D259N, D276N, D244N, D318N, D156N, D236N, D270N, D303N.
Identifiers: ClinVar variation 845577 (VCV000845577.9), dbSNP rs573893736, ClinGen allele CA2053660.

ClinVar aggregate classification (germline): Conflicting classifications of pathogenicity. Review status: criteria provided, conflicting classifications (1 of 4 stars). 2 submissions from 2 submitters: Uncertain significance (1); Likely benign (1). Last evaluated 2022-09-07.

Conditions:
Autoimmune lymphoproliferative syndrome type 2B. Also called: AUTOIMMUNE LYMPHOPROLIFERATIVE SYNDROME, TYPE IIB. Identifiers: Orphanet 275517, MedGen C1846545, MONDO:0011804, OMIM 607271.

Allele frequency attached by ClinVar (database versions not stated): gnomAD below 0.00001 and 0.00005; TOPMed 0.00001; gnomAD exomes 0.00008 and 0.00019; 1000 Genomes Project 30x 0.00016; 1000 Genomes Project 0.00020; ExAC 0.00022.
gnomAD v4.1: 132 of 1,613,810 alleles (0.0082%); highest among the groups gnomAD compares: South Asian, 0.14%; 1 homozygote.

Submissions (2):

Labcorp Genetics (formerly Invitae), Labcorp
Classification: Uncertain significance for Autoimmune lymphoproliferative syndrome type 2B. Last evaluated: 2022-09-07. Review status: criteria provided, single submitter. Criteria: Invitae Variant Classification Sherloc (09022015). Collection method: clinical testing. Allele origin: germline.
Comment: This sequence change replaces aspartic acid, which is acidic and polar, with asparagine, which is neutral and polar, at codon 276 of the CASP8 protein (p.Asp276Asn). This variant is present in population databases (rs573893736, gnomAD 0.2%). This variant has not been reported in the literature in individuals affected with CASP8-related conditions. ClinVar contains an entry for this variant (Variation ID: 845577). Algorithms developed to predict the effect of missense changes on protein structure and function output the following: SIFT: "Tolerated"; PolyPhen-2: "Benign"; Align-GVGD: "Class C0". The asparagine amino acid residue is found in multiple mammalian species, which suggests that this missense change does not adversely affect protein function. In summary, the available evidence is currently insufficient to determine the role of this variant in disease. Therefore, it has been classified as a Variant of Uncertain Significance.

GeneDx
Classification: Likely benign. Last evaluated: 2022-04-15. Review status: criteria provided, single submitter. Criteria: GeneDx Variant Classification Process June 2021. Collection method: clinical testing. Allele origin: germline. Affected: yes.
Comment: In silico analysis supports that this missense variant does not alter protein structure/function